The following is an entry in ClinVar:

NM_005529.7(HSPG2):c.145A>G (p.Thr49Ala)

Gene: HSPG2 (heparan sulfate proteoglycan 2; minus strand). Cytogenetic location: 1p36.12.
Variant type: single nucleotide variant.
Coding change: c.145A>G on transcript NM_005529.7 (MANE Select); coding-DNA position 145, A replaced by G.
Protein change: p.Thr49Ala; replaces threonine 49 with alanine.
Molecular consequence: missense variant.
Genome position (GRCh38, 1-based): chr1:21,896,229, T>C on the plus strand (A>G on the coding strand, the complement: HSPG2 is on the minus strand). VCF-style: chr1-21896229-T-C. GRCh37 (hg19) VCF-style: chr1-22222722-T-C.
Other names: c.145A>G, p.Thr49Ala (NM_001291860.2); short protein forms T49A.
Identifiers: ClinVar variation 2419330 (VCV002419330.6), dbSNP rs532110530, ClinGen allele CA674015.

ClinVar aggregate classification (germline): Uncertain significance (1 of 4 stars; one submission).

Allele frequency attached by ClinVar (database versions not stated): gnomAD 0.00002; gnomAD exomes 0.00003; ExAC 0.00005; 1000 Genomes Project 30x 0.00016; 1000 Genomes Project 0.00020.
gnomAD v4.1: 51 of 1,614,036 alleles (0.0032%); highest among the groups gnomAD compares: East Asian, 0.11%; no homozygotes.

Submission:

Labcorp Genetics (formerly Invitae), Labcorp
Classification: Uncertain significance. Last evaluated: 2021-12-19. Review status: criteria provided, single submitter. Criteria: Invitae Variant Classification Sherloc (09022015). Collection method: clinical testing. Allele origin: germline.
Comment: In summary, the available evidence is currently insufficient to determine the role of this variant in disease. Therefore, it has been classified as a Variant of Uncertain Significance. Algorithms developed to predict the effect of missense changes on protein structure and function (SIFT, PolyPhen-2, Align-GVGD) all suggest that this variant is likely to be tolerated. This variant has not been reported in the literature in individuals affected with HSPG2-related conditions. This variant is present in population databases (rs532110530, gnomAD 0.07%). This sequence change replaces threonine, which is neutral and polar, with alanine, which is neutral and non-polar, at codon 49 of the HSPG2 protein (p.Thr49Ala).